The following is an entry in ClinVar:

NM_001099922.3(ALG13):c.1898C>T (p.Ala633Val)

Gene: ALG13 (ALG13 UDP-N-acetylglucosaminyltransferase subunit; plus strand). Cytogenetic location: Xq23.
Variant type: single nucleotide variant.
Coding change: c.1898C>T on transcript NM_001099922.3 (MANE Select); coding-DNA position 1898, C replaced by T.
Protein change: p.Ala633Val; replaces alanine 633 with valine.
Molecular consequence: missense variant. On other transcripts: non-coding transcript variant (1).
Genome position (GRCh38, 1-based): chrX:111,726,977, C>T. VCF-style: chrX-111726977-C-T. GRCh37 (hg19) VCF-style: chrX-110970205-C-T.
Other names: c.1586C>T, p.Ala529Val (NM_001257230.2, NM_001257234.2, NM_001257237.2); c.1664C>T, p.Ala555Val (NM_001257231.2); c.1898C>T, p.Ala633Val (NM_001324292.2); c.1412C>T, p.Ala471Val (NM_001324293.1); short protein forms A471V, A633V, A529V, A555V.
Identifiers: ClinVar variation 4773142 (VCV004773142.1).

ClinVar aggregate classification (germline): Uncertain significance (1 of 4 stars; one submission).

Conditions:
Developmental and epileptic encephalopathy, 36 (DEE36). Also called: Epileptic encephalopathy, early infantile, 36; Congenital disorder of glycosylation, type Is; ALG13-CDG. Identifiers: Orphanet 324422, MedGen C4317295, MONDO:0010472, OMIM 300884.

gnomAD v4.1: 1 of 1,211,456 alleles (0.000083%); highest among the groups gnomAD compares: Admixed American, 0.0022%; no homozygotes.

Submission:

Labcorp Genetics (formerly Invitae), Labcorp
Classification: Uncertain significance for Developmental and epileptic encephalopathy, 36. Last evaluated: 2025-02-23. Review status: criteria provided, single submitter. Criteria: Invitae Variant Classification Sherloc (09022015). Collection method: clinical testing. Allele origin: germline.
Comment: This sequence change replaces alanine, which is neutral and non-polar, with valine, which is neutral and non-polar, at codon 633 of the ALG13 protein (p.Ala633Val). This variant is present in population databases (no rsID available, gnomAD 0.004%). This variant has not been reported in the literature in individuals affected with ALG13-related conditions. Invitae Evidence Modeling of protein sequence and biophysical properties (such as structural, functional, and spatial information, amino acid conservation, physicochemical variation, residue mobility, and thermodynamic stability) indicates that this missense variant is not expected to disrupt ALG13 protein function with a negative predictive value of 95%. In summary, the available evidence is currently insufficient to determine the role of this variant in disease. Therefore, it has been classified as a Variant of Uncertain Significance.